The following continues an entry in ClinVar:

NM_144573.4(NEXN):c.1946GAG[1] (p.Gly650del)

Gene: NEXN. ClinVar aggregate classification (germline): Conflicting classifications of pathogenicity. Likely pathogenic (1); Uncertain significance (13).

Submissions 13 to 16 of 16:

Victorian Clinical Genetics Services, Murdoch Childrens Research Institute
Classification: Uncertain significance for Dilated cardiomyopathy 1CC. Last evaluated: 2021-05-06. Review status: criteria provided, single submitter. Criteria: ACMG Guidelines, 2015. Collection method: clinical testing. Allele origin: germline. Inheritance: Autosomal dominant inheritance.
Comment: Based on the classification scheme VCGS_Germline_v1.3.4, this variant is classified as VUS-3B. Following criteria are met: 0105 - The mechanism of disease for this gene is not clearly established. (I) 0107 - This gene is associated with autosomal dominant disease. (I) 0213 - In-frame insertion/deletion in a non-repetitive region that has high conservation. (SP) 0251 - This variant is heterozygous. (I) 0302 - Variant is present in gnomAD (v2) <0.001 for a dominant condition (29 heterozygotes, 0 homozygotes). (SP) 0600 - Variant is located in the annotated IGcam domain (PMID: 19881492). (I) 0705 - No comparable inframe deletion variants have previous evidence for pathogenicity. (I) 0808 - Previous evidence of pathogenicity for this variant is conflicting. This variant has been reported multiple times as a VUS and once as likely benign, and has been observed in multiple unrelated individuals with dilated cardiomyopathy (DCM) (ClinVar, PMID: 19881492). (I) 0905 - No published segregation evidence has been identified for this variant. (I) 1002 - This variant has moderate functional evidence supporting abnormal protein function. Animal models expressing this variant display the DCM phenotype, and analysis of affected tissue suggests that this variant results in reduced protein stability however, this is conflicting between publications (PMID: 19881492, PMID: 32814711). (SP) 1208 - Inheritance information for this variant is not currently available in this individual. (I) Legend: (SP) - Supporting pathogenic, (I) - Information, (SB) - Supporting benign

Laboratory for Molecular Medicine, Mass General Brigham Personalized Medicine
Classification: Uncertain significance. Last evaluated: 2019-12-10. Review status: criteria provided, single submitter. Criteria: LMM Criteria. Collection method: clinical testing. Allele origin: germline. Observed: 4 variant alleles.
Comment: The p.Gly650del variant in NEXN has been reported in the literature in 6 individuals with DCM. Currently there is insufficient evidence to conclude whether this variant segregates with disease in these families (Hassel 2009). This variant has also been identified by other clinical laboratories in 2 individuals with DCM (including an infant whose unaffected mother also harbored this variant), 1 individual with HCM, and 1 individual with an unspecified cardiomyopathy and segregated with DCM in one affected relative from one family (Ambry pers. comm, Invitae pers. comm., LMM data, ClinVar Variation ID # 47899). However, it has been identified in 0.02% (27/127614) European chromosomes by gnomAD, which is a frequency defined by the ClinGen Inherited Cardiomyopathy Expert Panel Functional as being greater than expected for the disorder. Studies have shown that human hearts with this variant had disrupted sarcomeres and abnormal z-discs and this was also observed in zebrafish embryos injected with this variant that went on to develop severe cardiac dilation (Hassel 2009). This variant is a deletion of 1 amino acid at position 650 and is not predicted to alter the protein reading-frame. It is unclear if this deletion will impact the protein. In summary due to conflicting evidence, the clinical significance of this variant is uncertain. ACMG/AMP Criteria applied: PS3_Moderate, PM4_Supporting, BS1_Supporting.

OMIM
Classification: Pathogenic for CARDIOMYOPATHY, DILATED, 1CC. Last evaluated: 2009-11-01. Review status: no assertion criteria provided. Collection method: literature only. Allele origin: germline. Not counted in ClinVar's aggregate classification.

Department of Pathology and Laboratory Medicine, Sinai Health System
Classification: Uncertain significance. Review status: no assertion criteria provided. Collection method: clinical testing. Allele origin: unknown. Affected: yes. Study: The Canadian Open Genetics Repository (COGR). Not counted in ClinVar's aggregate classification.
Comment: The NEXN p.Gly650del variant was identified in 6 of 2000 proband chromosomes (frequency: 0.003) from individuals with dilated cardiomyopathy and was not identified in 2502 control chromosomes from healthy individuals (Hassel_2009_PMID:19881492). No variants were identified in 9 other dilated cardiomyopathy genes in the 6 individuals carrying the p.G650del mutation. In two other unrelated probands, both mothers had died of DCM and therefore DNA was unavailable, however both fathers were not carriers, suggesting that the affected mothers are obligate carriers of the p.G650del variant (Hassel_2009_PMID:19881492). The variant was identified in dbSNP (ID: rs1488731300) and ClinVar (classified as uncertain significance by Invitae, GeneDx, Laboratory for Molecular Medicine and CHEO Genetics Diagnostic Laboratory, and as likely pathogenic by Ambry Genetics). The variant was identified in control databases in 29 of 279530 chromosomes at a frequency of 0.0001037 (Genome Aggregation Database March 6, 2019, v2.1.1). The variant was observed in the following populations: European (non-Finnish) in 27 of 127614 chromosomes (freq: 0.000212), Ashkenazi Jewish in 1 of 10306 chromosomes (freq: 0.000097) and Latino in 1 of 35332 chromosomes (freq: 0.000028), but was not observed in the African, East Asian, European (Finnish), Other or South Asian populations. This variant is an in-frame deletion resulting in the removal of a glycine (gly) residue at codon 650. The variant occurs outside of the splicing consensus sequence and in silico or computational prediction software programs (SpliceSiteFinder, MaxEntScan, NNSPLICE, GeneSplicer) do not predict a difference in splicing. Zebrafish with the p.G650del demonstrated a dilated cardiomyopathy phenotype (Hassel_2009_PMID:19881492). In summary, based on the above information the clinical significance of this variant cannot be determined with certainty at this time. This variant is classified as a variant of uncertain significance.

Literature cited by the submitters: PubMed 19881492 (cited by 7 submitters); PubMed 31737537 (cited by 4 submitters); PubMed 33949776 (cited by 4 submitters); PubMed 32814711 (cited by 5 submitters); PubMed 36129056 (cited by 3 submitters); PubMed 34426522 (cited by Ambry Genetics); PubMed 20970104 (cited by Laboratory for Molecular Medicine, Mass General Brigham Personalized Medicine).